The following is an entry in ClinVar:

ClinVar aggregate classification (germline): Uncertain significance. Review status: criteria provided, multiple submitters, no conflicts (2 of 4 stars). 2 submissions from 2 submitters: Uncertain significance (2). Last evaluated 2024-03-21.

Allele frequency attached by ClinVar (database versions not stated): 1000 Genomes Project 30x 0.00016; ExAC 0.00017; gnomAD exomes 0.00019 and 0.00051; 1000 Genomes Project 0.00020; gnomAD 0.00027 and 0.00030; TOPMed 0.00028; ESP Exome Variant Server 0.00054.
gnomAD v4.1: 787 of 1,613,344 alleles (0.049%); highest among the groups gnomAD compares: Non-Finnish European, 0.062%; no homozygotes.

Submissions (2):

GeneDx
Classification: Uncertain significance. Last evaluated: 2024-03-21. Review status: criteria provided, single submitter. Criteria: GeneDx Variant Classification Process June 2021. Collection method: clinical testing. Allele origin: germline. Affected: yes.
Comment: In silico analysis supports that this missense variant has a deleterious effect on protein structure/function; Has not been previously published as pathogenic or benign to our knowledge

Labcorp Genetics (formerly Invitae), Labcorp
Classification: Uncertain significance. Last evaluated: 2022-04-18. Review status: criteria provided, single submitter. Criteria: Invitae Variant Classification Sherloc (09022015). Collection method: clinical testing. Allele origin: germline.
Comment: This sequence change replaces proline, which is neutral and non-polar, with serine, which is neutral and polar, at codon 497 of the TELO2 protein (p.Pro497Ser). This variant is present in population databases (rs140861723, gnomAD 0.04%). This variant has not been reported in the literature in individuals affected with TELO2-related conditions. Algorithms developed to predict the effect of missense changes on protein structure and function (SIFT, PolyPhen-2, Align-GVGD) all suggest that this variant is likely to be disruptive. In summary, the available evidence is currently insufficient to determine the role of this variant in disease. Therefore, it has been classified as a Variant of Uncertain Significance.

NM_016111.4(TELO2):c.1489C>T (p.Pro497Ser)

Gene: TELO2 (telomere maintenance 2; plus strand). Cytogenetic location: 16p13.3.
Variant type: single nucleotide variant.
Coding change: c.1489C>T on transcript NM_016111.4 (MANE Select); coding-DNA position 1489, C replaced by T.
Protein change: p.Pro497Ser; replaces proline 497 with serine.
Molecular consequence: missense variant.
Genome position (GRCh38, 1-based): chr16:1,502,063, C>T. VCF-style: chr16-1502063-C-T. GRCh37 (hg19) VCF-style: chr16-1552064-C-T.
Other names: c.1489C>T, p.Pro497Ser (NM_001351846.2); c.1489C>T (NM_016111.3); short protein forms P497S.
Identifiers: ClinVar variation 1471246 (VCV001471246.4), dbSNP rs140861723, ClinGen allele CA7812178.